The following is an entry in ClinVar:

NM_003126.4(SPTA1):c.1958A>G (p.Tyr653Cys)

Gene: SPTA1 (spectrin alpha, erythrocytic 1; minus strand). Cytogenetic location: 1q23.1.
Variant type: single nucleotide variant.
Coding change: c.1958A>G on transcript NM_003126.4 (MANE Select); coding-DNA position 1958, A replaced by G.
Protein change: p.Tyr653Cys; replaces tyrosine 653 with cysteine.
Molecular consequence: missense variant.
Genome position (GRCh38, 1-based): chr1:158,667,938, T>C on the plus strand (A>G on the coding strand, the complement: SPTA1 is on the minus strand). VCF-style: chr1-158667938-T-C. GRCh37 (hg19) VCF-style: chr1-158637728-T-C.
Other names: short protein forms Y653C.
Identifiers: ClinVar variation 258918 (VCV000258918.58), dbSNP rs148912436, ClinGen allele CA1183560.

ClinVar aggregate classification (germline): Conflicting classifications of pathogenicity. Review status: criteria provided, conflicting classifications (1 of 4 stars). 12 submissions from 10 submitters: Uncertain significance (2); Benign (5); Likely benign (3). 2 of the submissions do not count toward it. Last evaluated 2026-09-01.

Conditions:
Hereditary spherocytosis type 3. Also called: SPTA1-Related Spherocytosis; Spherocytosis type 3. Identifiers: Orphanet 822, MedGen C2678338, MONDO:0010053, OMIM 270970.
Elliptocytosis 2 (EL2). Also called: ELLIPTOCYTOSIS, RHESUS-UNLINKED TYPE. Identifiers: Orphanet 288, MedGen C1851741, MONDO:0007533, OMIM 130600.
Pyropoikilocytosis, hereditary. Also called: Pyropoikilocytosis. Identifiers: MedGen C0520739, MONDO:0009948, OMIM 266140, HP:0004839. Disease mechanism: loss of function.

Allele frequency attached by ClinVar (database versions not stated): 1000 Genomes Project 30x 0.00531; 1000 Genomes Project 0.00539; ESP Exome Variant Server 0.00787; gnomAD 0.00793 and 0.00813; TOPMed 0.00810; ExAC 0.00811; gnomAD exomes 0.00814 and 0.01014.
gnomAD v4.1: 16,064 of 1,614,078 alleles (1%); highest among the groups gnomAD compares: Middle Eastern, 1.6%; 90 homozygotes.

Submissions (12):

CeGaT Center for Human Genetics Tuebingen
Classification: Benign. Last evaluated: 2026-09-01. Review status: criteria provided, single submitter. Criteria: CeGaT Center For Human Genetics Tuebingen Variant Classification Criteria Version 2. Collection method: clinical testing. Allele origin: germline. Affected: yes. Observed: 10 variant alleles.
Comment: SPTA1: BS1, BS2

Labcorp Genetics (formerly Invitae), Labcorp
Classification: Benign. Last evaluated: 2026-01-27. Review status: criteria provided, single submitter. Criteria: Invitae Variant Classification Sherloc (09022015). Collection method: clinical testing. Allele origin: germline.

Mayo Clinic Laboratories, Mayo Clinic
Classification: Likely benign. Last evaluated: 2025-12-08. Review status: criteria provided, single submitter. Criteria: ACMG Guidelines, 2015. Collection method: clinical testing. Allele origin: germline. Observed: 43 variant alleles.
Comment: BS2, BP5

Dasa
Classification: Benign. Last evaluated: 2025-11-19. Review status: criteria provided, single submitter. Criteria: DASA Assertion Criteria. Collection method: clinical testing. Allele origin: germline.
Comment: NM_003126.4(SPTA1):c.1958A>G (p.Tyr653Cys) is interpreted as benign based on a combination of available evidence, including population frequency, and observations in unaffected individuals. Based on the available data, this variant is classified as benign.

ARUP Laboratories, Molecular Genetics and Genomics, ARUP Laboratories
Classification: Benign. Last evaluated: 2025-07-16. Review status: criteria provided, single submitter. Criteria: ARUP Molecular Germline Variant Investigation Process 2024. Collection method: clinical testing. Allele origin: germline.

Blueprint Genetics
Classification: Likely benign. Last evaluated: 2024-11-25. Review status: criteria provided, single submitter. Criteria: ACMG Guidelines, 2015. Collection method: clinical testing. Allele origin: germline.

Illumina Laboratory Services, Illumina
Classification: Uncertain significance for Hereditary spherocytosis type 3. Last evaluated: 2018-01-13. Review status: criteria provided, single submitter. Criteria: ICSL Variant Classification Criteria 13 December 2019. Collection method: clinical testing. Allele origin: germline.

Illumina Laboratory Services, Illumina
Classification: Likely benign for Elliptocytosis 2. Last evaluated: 2018-01-13. Review status: criteria provided, single submitter. Criteria: ICSL Variant Classification Criteria 13 December 2019. Collection method: clinical testing. Allele origin: germline.
Comment: This variant was observed in the ICSL laboratory as part of a predisposition screen in an ostensibly healthy population. It had not been previously curated by ICSL or reported in the Human Gene Mutation Database (HGMD: prior to June 1st, 2018), and was therefore a candidate for classification through an automated scoring system. Utilizing variant allele frequency, disease prevalence and penetrance estimates, and inheritance mode, an automated score was calculated to assess if this variant is too frequent to cause the disease. Based on the score and internal cut-off values, a variant classified as likely benign is not then subjected to further curation. The score for this variant resulted in a classification of likely benign for this disease.

Illumina Laboratory Services, Illumina
Classification: Uncertain significance for Pyropoikilocytosis, hereditary. Last evaluated: 2018-01-13. Review status: criteria provided, single submitter. Criteria: ICSL Variant Classification Criteria 13 December 2019. Collection method: clinical testing. Allele origin: germline.

PreventionGenetics, part of Exact Sciences
Classification: Benign. Last evaluated: 2016-04-11. Review status: criteria provided, single submitter. Criteria: ACMG Guidelines, 2015. Collection method: clinical testing. Allele origin: germline.

Genome Diagnostics Laboratory, University Medical Center Utrecht
Classification: Benign. Review status: no assertion criteria provided. Collection method: clinical testing. Allele origin: germline. Affected: yes. Study: VKGL Data-share Consensus. Not counted in ClinVar's aggregate classification.

Laboratory of Diagnostic Genome Analysis, Leiden University Medical Center (LUMC)
Classification: Likely benign. Review status: no assertion criteria provided. Collection method: clinical testing. Allele origin: germline. Affected: yes. Study: VKGL Data-share Consensus. Not counted in ClinVar's aggregate classification.